The following is an entry in ClinVar:

ClinVar aggregate classification (germline): Benign (1 of 4 stars; one submission).

Conditions:
Episodic ataxia type 5. Identifiers: Orphanet 211067, MedGen C1866039, MONDO:0013464, OMIM 613855.

Allele frequency attached by ClinVar (database versions not stated): 1000 Genomes Project 0.00040; TOPMed 0.00060; 1000 Genomes Project 30x 0.00062; gnomAD 0.00075 and 0.00076.

Submission:

Illumina Laboratory Services, Illumina
Classification: Benign for Episodic ataxia type 5. Last evaluated: 2018-01-13. Review status: criteria provided, single submitter. Criteria: ICSL Variant Classification Criteria 13 December 2019. Collection method: clinical testing. Allele origin: germline.
Comment: This variant was observed in the ICSL laboratory as part of a predisposition screen in an ostensibly healthy population. It had not been previously curated by ICSL or reported in the Human Gene Mutation Database (HGMD: prior to June 1st, 2018), and was therefore a candidate for classification through an automated scoring system. Utilizing variant allele frequency, disease prevalence and penetrance estimates, and inheritance mode, an automated score was calculated to assess if this variant is too frequent to cause the disease. Based on the score and internal cut-off values, a variant classified as benign is not then subjected to further curation. The score for this variant resulted in a classification of benign for this disease.

NM_000726.5(CACNB4):c.*4969G>A

Gene: CACNB4 (calcium voltage-gated channel auxiliary subunit beta 4; minus strand). Cytogenetic location: 2q23.3.
Variant type: single nucleotide variant.
Coding change: c.*4969G>A on transcript NM_000726.5 (MANE Select); 4969 bases downstream of the stop codon, G replaced by A.
Molecular consequence: 3 prime UTR variant.
Genome position (GRCh38, 1-based): chr2:151,834,150, C>T on the plus strand (G>A on the coding strand, the complement: CACNB4 is on the minus strand). VCF-style: chr2-151834150-C-T. GRCh37 (hg19) VCF-style: chr2-152690664-C-T.
Other names: c.*4969G>A (NM_001145798.3, NM_001320722.3, NM_001330113.2 and 7 more transcripts).
Identifiers: ClinVar variation 331564 (VCV000331564.6), dbSNP rs537140595, ClinGen allele CA10612507.